The following is an entry in ClinVar:

ClinVar aggregate classification (germline): Conflicting classifications of pathogenicity. Review status: criteria provided, conflicting classifications (1 of 4 stars). 8 submissions from 7 submitters: Uncertain significance (7); Benign (1). Last evaluated 2025-02-03.

Conditions:
SYNE1-related disorder. Also called: SYNE1-related disease; SYNE1-related condition; SYNE1-related disorders.
Autosomal recessive ataxia, Beauce type. Also called: Spinocerebellar ataxia, autosomal recessive 8; SYNE1-Related Autosomal Recessive Cerebellar Ataxia; SYNE1 Deficiency; ATAXIA, RECESSIVE, OF BEAUCE. Identifiers: Orphanet 88644, MedGen C1853116, MONDO:0012549, OMIM 610743.
Emery-Dreifuss muscular dystrophy 4, autosomal dominant (EDMD4). Also called: EMERY-DREIFUSS MUSCULAR DYSTROPHY 4 WITH VARIABLE FEATURES. Identifiers: Orphanet 261, MedGen C2751807, MONDO:0013071, OMIM 612998.

Allele frequency attached by ClinVar (database versions not stated): gnomAD exomes 0.00003 and 0.00009; gnomAD 0.00004; TOPMed 0.00005; 1000 Genomes Project 30x 0.00047; ExAC 0.00011; 1000 Genomes Project 0.00040.
gnomAD v4.1: 58 of 1,613,712 alleles (0.0036%); highest among the groups gnomAD compares: Admixed American, 0.032%; no homozygotes.

Submissions (8):

Revvity Omics, Revvity
Classification: Uncertain significance. Last evaluated: 2025-02-03. Review status: criteria provided, single submitter. Criteria: ACMG Guidelines, 2015. Collection method: clinical testing. Allele origin: germline.

Blueprint Genetics
Classification: Uncertain significance. Last evaluated: 2022-10-20. Review status: criteria provided, single submitter. Criteria: ACMG Guidelines, 2015. Collection method: clinical testing. Allele origin: germline.

PreventionGenetics, part of Exact Sciences
Classification: Uncertain significance for SYNE1-related condition. Last evaluated: 2022-08-18. Review status: criteria provided, single submitter. Criteria: ACMG Guidelines, 2015. Collection method: clinical testing. Allele origin: germline.
Comment: The SYNE1 c.24439G>A variant is predicted to result in the amino acid substitution p.Asp8147Asn. To our knowledge, this variant has not been reported in the literature. This variant is reported in 0.037% of alleles in individuals of Latino descent in gnomAD. At this time, the clinical significance of this variant is uncertain due to the absence of conclusive functional and genetic evidence.

Labcorp Genetics (formerly Invitae), Labcorp
Classification: Uncertain significance for Emery-Dreifuss muscular dystrophy 4, autosomal dominant; Autosomal recessive ataxia, Beauce type. Last evaluated: 2021-08-24. Review status: criteria provided, single submitter. Criteria: Invitae Variant Classification Sherloc (09022015). Collection method: clinical testing. Allele origin: germline.
Comment: This sequence change replaces aspartic acid with asparagine at codon 8147 of the SYNE1 protein (p.Asp8147Asn). The aspartic acid residue is highly conserved and there is a small physicochemical difference between aspartic acid and asparagine. This variant is present in population databases (rs267600861, ExAC 0.03%). This variant has not been reported in the literature in individuals affected with SYNE1-related conditions. ClinVar contains an entry for this variant (Variation ID: 76197). Algorithms developed to predict the effect of missense changes on protein structure and function are either unavailable or do not agree on the potential impact of this missense change (SIFT: "Deleterious"; PolyPhen-2: "Benign"; Align-GVGD: "Class C0"). In summary, the available evidence is currently insufficient to determine the role of this variant in disease. Therefore, it has been classified as a Variant of Uncertain Significance.

GeneDx
Classification: Uncertain significance. Last evaluated: 2019-12-12. Review status: criteria provided, single submitter. Criteria: GeneDx Variant Classification Process June 2021. Collection method: clinical testing. Allele origin: germline. Affected: yes.
Comment: In silico analysis, which includes protein predictors and evolutionary conservation, supports a deleterious effect; Has not been previously published as pathogenic or benign to our knowledge

Eurofins Ntd Llc (ga)
Classification: Uncertain significance. Last evaluated: 2018-08-10. Review status: criteria provided, single submitter. Criteria: EGL ClinVar v180209 classification definitions. Collection method: clinical testing. Allele origin: germline. Observed: 2 variant alleles, 2 heterozygotes.

Illumina Laboratory Services, Illumina
Classification: Benign for Emery-Dreifuss muscular dystrophy 4, autosomal dominant. Last evaluated: 2018-01-13. Review status: criteria provided, single submitter. Criteria: ICSL Variant Classification Criteria 13 December 2019. Collection method: clinical testing. Allele origin: germline.
Comment: This variant was observed in the ICSL laboratory as part of a predisposition screen in an ostensibly healthy population. It had not been previously curated by ICSL or reported in the Human Gene Mutation Database (HGMD: prior to June 1st, 2018), and was therefore a candidate for classification through an automated scoring system. Utilizing variant allele frequency, disease prevalence and penetrance estimates, and inheritance mode, an automated score was calculated to assess if this variant is too frequent to cause the disease. Based on the score and internal cut-off values, a variant classified as benign is not then subjected to further curation. The score for this variant resulted in a classification of benign for this disease.

Illumina Laboratory Services, Illumina
Classification: Uncertain significance for Autosomal recessive ataxia, Beauce type. Last evaluated: 2018-01-13. Review status: criteria provided, single submitter. Criteria: ICSL Variant Classification Criteria 13 December 2019. Collection method: clinical testing. Allele origin: germline.

NM_182961.4(SYNE1):c.24652G>A (p.Asp8218Asn)

Gene: SYNE1 (spectrin repeat containing nuclear envelope protein 1; minus strand). Cytogenetic location: 6q25.2.
Variant type: single nucleotide variant.
Coding change: c.24652G>A on transcript NM_182961.4 (MANE Select); coding-DNA position 24652, G replaced by A.
Protein change: p.Asp8218Asn; replaces aspartic acid 8218 with asparagine.
Molecular consequence: missense variant.
Genome position (GRCh38, 1-based): chr6:152,148,369, C>T on the plus strand (G>A on the coding strand, the complement: SYNE1 is on the minus strand). VCF-style: chr6-152148369-C-T. GRCh37 (hg19) VCF-style: chr6-152469504-C-T.
Other names: c.1258G>A, p.Asp420Asn (NM_001347701.2); c.1117G>A, p.Asp373Asn (NM_001347702.2); c.24439G>A, p.Asp8147Asn (NM_033071.5); short protein forms D8147N, D8218N, D373N, D420N.
Identifiers: ClinVar variation 76197 (VCV000076197.20), dbSNP rs267600861, ClinGen allele CA4053105.